The following is an entry in ClinVar:

ClinVar aggregate classification (germline): Uncertain significance (1 of 4 stars; one submission).

Conditions:
Cranioectodermal dysplasia 1 (CED1). Also called: LEVIN SYNDROME I. Identifiers: Orphanet 1515, MedGen C0432235, MONDO:0021093, OMIM 218330.

Submission:

Labcorp Genetics (formerly Invitae), Labcorp
Classification: Uncertain significance for Cranioectodermal dysplasia 1. Last evaluated: 2022-03-13. Review status: criteria provided, single submitter. Criteria: Invitae Variant Classification Sherloc (09022015). Collection method: clinical testing. Allele origin: germline.
Comment: This sequence change replaces phenylalanine, which is neutral and non-polar, with leucine, which is neutral and non-polar, at codon 996 of the IFT122 protein (p.Phe996Leu). In summary, the available evidence is currently insufficient to determine the role of this variant in disease. Therefore, it has been classified as a Variant of Uncertain Significance. Algorithms developed to predict the effect of missense changes on protein structure and function (SIFT, PolyPhen-2, Align-GVGD) all suggest that this variant is likely to be tolerated. This variant has not been reported in the literature in individuals affected with IFT122-related conditions. This variant is not present in population databases (gnomAD no frequency).

NM_052989.3(IFT122):c.2835C>G (p.Phe945Leu)

Gene: IFT122 (intraflagellar transport 122; plus strand). Cytogenetic location: 3q22.1.
Variant type: single nucleotide variant.
Coding change: c.2835C>G on transcript NM_052989.3 (MANE Select); coding-DNA position 2835, C replaced by G.
Protein change: p.Phe945Leu; replaces phenylalanine 945 with leucine.
Molecular consequence: missense variant.
Genome position (GRCh38, 1-based): chr3:129,507,711, C>G. VCF-style: chr3-129507711-C-G. GRCh37 (hg19) VCF-style: chr3-129226554-C-G.
Other names: c.2814C>G, p.Phe938Leu (NM_001280541.2); c.2385C>G, p.Phe795Leu (NM_001280545.2); c.2208C>G, p.Phe736Leu (NM_001280546.2); c.2838C>G, p.Phe946Leu (NM_001410808.1); c.2781C>G, p.Phe927Leu (NM_001410809.1); c.2661C>G, p.Phe887Leu (NM_001410810.1); c.2607C>G, p.Phe869Leu (NM_001410811.1); c.2604C>G, p.Phe868Leu (NM_001410813.1); and 5 more; short protein forms F736L, F835L, F869L, F887L, F996L, F795L, F817L, F886L.
Identifiers: ClinVar variation 2110885 (VCV002110885.4), dbSNP rs968994727, ClinGen allele CA354485615.